The following is an entry in ClinVar:

NM_182760.4(SUMF1):c.388delinsCAGATAATGTGTCA (p.Glu130fs)

Gene: SUMF1 (sulfatase modifying factor 1; minus strand). Cytogenetic location: 3p26.1.
Variant type: Indel.
Coding change: c.388delinsCAGATAATGTGTCA on transcript NM_182760.4 (MANE Select); coding-DNA position 388, G replaced by CAGATAATGTGTCA.
Protein change: p.Glu130fs; shifts the reading frame from glutamic acid 130.
Molecular consequence: frameshift variant.
Genome position (GRCh38, 1-based): chr3:4,452,932, C replaced by TGACACATTATCTG on the plus strand (G replaced by CAGATAATGTGTCA on the coding strand, the reverse complement: SUMF1 is on the minus strand). VCF-style: chr3-4452932-C-TGACACATTATCTG. GRCh37 (hg19) VCF-style: chr3-4494616-C-TGACACATTATCTG.
Other names: c.388delinsCAGATAATGTGTCA, p.Glu130fs (NM_001164674.2, NM_001164675.2); short protein forms E130fs.
Identifiers: ClinVar variation 5012400 (VCV005012400.1).

ClinVar aggregate classification (germline): Pathogenic (1 of 4 stars; one submission).

Conditions:
Multiple sulfatase deficiency (MSD). Also called: Mucosulfatidosis; Multiple Sulfatase Deficiency Disease; Sulfatidosis, Juvenile, Austin Type. Identifiers: Orphanet 585, MedGen C0268263, MONDO:0010088, OMIM 272200.

Submission:

Myriad Genetics, Inc.
Classification: Pathogenic for Multiple sulfatase deficiency. Last evaluated: 2023-10-16. Review status: criteria provided, single submitter. Criteria: Myriad Autosomal Dominant, Autosomal Recessive and X-Linked Classification Criteria (2023). Collection method: clinical testing. Allele origin: unknown.
Comment: NM_182760.3(SUMF1):c.388del1ins14(E130Qfs*8) is expected to be pathogenic in the context of multiple sulfatase deficiency. This variant is predicted to lead to an abnormal or absent protein product due to the creation of a premature termination codon in SUMF1, a gene where loss-of-function variants are known to be pathogenic. Please note: this variant was assessed in the context of healthy population screening.